The following is an entry in ClinVar:

ClinVar aggregate classification (germline): Benign. Review status: criteria provided, multiple submitters, no conflicts (2 of 4 stars). 3 submissions from 3 submitters: Benign (3). Last evaluated 2018-09-20.

Allele frequency attached by ClinVar (database versions not stated): 1000 Genomes Project 0.03674; ESP Exome Variant Server 0.03825; 1000 Genomes Project 30x 0.03998; gnomAD 0.04361 and 0.04373; TOPMed 0.04769; ExAC 0.05246; gnomAD exomes 0.05608.
gnomAD v4.1: 79,261 of 1,612,654 alleles (4.9%); highest among the groups gnomAD compares: Admixed American, 13%; 2,453 homozygotes.

Submissions (3):

Athena Diagnostics
Classification: Benign. Last evaluated: 2018-09-20. Review status: criteria provided, single submitter. Criteria: Athena Diagnostics Criteria. Collection method: clinical testing. Allele origin: germline.

GeneDx
Classification: Benign. Last evaluated: 2017-05-09. Review status: criteria provided, single submitter. Criteria: GeneDx Variant Classification (06012015). Collection method: clinical testing. Allele origin: germline. Affected: yes.
Comment: This variant is considered likely benign or benign based on one or more of the following criteria: it is a conservative change, it occurs at a poorly conserved position in the protein, it is predicted to be benign by multiple in silico algorithms, and/or has population frequency not consistent with disease.

Breakthrough Genomics
Classification: Benign. Review status: criteria provided, single submitter. Criteria: ACMG Guidelines, 2015. Collection method: not provided. Allele origin: germline. Inheritance: Autosomal recessive inheritance. Affected: yes.

NM_018429.3(BDP1):c.7738A>G (p.Thr2580Ala)

Gene: BDP1 (BDP1 general transcription factor IIIB subunit; plus strand). Cytogenetic location: 5q13.2.
Variant type: single nucleotide variant.
Coding change: c.7738A>G on transcript NM_018429.3 (MANE Select); coding-DNA position 7738, A replaced by G.
Protein change: p.Thr2580Ala; replaces threonine 2580 with alanine.
Molecular consequence: missense variant.
Genome position (GRCh38, 1-based): chr5:71,562,515, A>G. VCF-style: chr5-71562515-A-G. GRCh37 (hg19) VCF-style: chr5-70858342-A-G.
Other names: short protein forms T2580A.
Identifiers: ClinVar variation 508148 (VCV000508148.3), dbSNP rs115185087, ClinGen allele CA3297593.